The following is an entry in ClinVar:

NM_033380.3(COL4A5):c.4789G>A (p.Asp1597Asn)

Gene: COL4A5 (collagen type IV alpha 5 chain; plus strand). Cytogenetic location: Xq22.3.
Variant type: single nucleotide variant.
Coding change: c.4789G>A on transcript NM_033380.3 (MANE Select); coding-DNA position 4789, G replaced by A.
Protein change: p.Asp1597Asn; replaces aspartic acid 1597 with asparagine.
Molecular consequence: missense variant.
Genome position (GRCh38, 1-based): chrX:108,694,889, G>A. VCF-style: chrX-108694889-G-A. GRCh37 (hg19) VCF-style: chrX-107938119-G-A.
Other names: c.4771G>A, p.Asp1591Asn (NM_000495.5); short protein forms D1591N, D1597N.
Identifiers: ClinVar variation 1485894 (VCV001485894.3), dbSNP rs2148001674, ClinGen allele CA414132556.

ClinVar aggregate classification (germline): Uncertain significance (1 of 4 stars; one submission).

Submission:

Labcorp Genetics (formerly Invitae), Labcorp
Classification: Uncertain significance. Last evaluated: 2021-11-09. Review status: criteria provided, single submitter. Criteria: Invitae Variant Classification Sherloc (09022015). Collection method: clinical testing. Allele origin: germline.
Comment: This sequence change replaces aspartic acid, which is acidic and polar, with asparagine, which is neutral and polar, at codon 1591 of the COL4A5 protein (p.Asp1591Asn). This variant is not present in population databases (gnomAD no frequency). This variant has not been reported in the literature in individuals affected with COL4A5-related conditions. Advanced modeling of protein sequence and biophysical properties (such as structural, functional, and spatial information, amino acid conservation, physicochemical variation, residue mobility, and thermodynamic stability) performed at Invitae indicates that this missense variant is not expected to disrupt COL4A5 protein function. In summary, the available evidence is currently insufficient to determine the role of this variant in disease. Therefore, it has been classified as a Variant of Uncertain Significance.